The following is an entry in ClinVar:

NM_000051.4(ATM):c.6857G>C (p.Cys2286Ser)

Genes: ATM (ATM serine/threonine kinase; plus strand), C11orf65 (chromosome 11 open reading frame 65; minus strand). Cytogenetic location: 11q22.3.
Variant type: single nucleotide variant.
Coding change: c.6857G>C on transcript NM_000051.4 (MANE Select); coding-DNA position 6857, G replaced by C.
Protein change: p.Cys2286Ser; replaces cysteine 2286 with serine.
Molecular consequence: missense variant. On other transcripts: intron variant (2).
Genome position (GRCh38, 1-based): chr11:108,326,107, G>C. VCF-style: chr11-108326107-G-C. GRCh37 (hg19) VCF-style: chr11-108196834-G-C.
Other names: c.6857G>C, p.Cys2286Ser (NM_001351834.2); c.641-17036C>G (NM_001330368.2); c.*38+9113C>G (NM_001351110.2); short protein forms C2286S.
Identifiers: ClinVar variation 3656903 (VCV003656903.2).
Genomic context (GRCh38, chr11:108,326,107, plus strand): 5'-TTTCATTTCAGCTCCCTGAAAGGGCAATATTTCAAATTAAACAGTACAATTCAGTTAGCT[G>C]TGGAGTCTCTGAGTGGCAGCTGGAAGAAGCACAAGTATTCTGGGCAAAAAAGGAGCAGAG-3'
Protein context (NP_000042.3, residues 2276-2296): FQIKQYNSVS[Cys2286Ser]GVSEWQLEEA

ClinVar aggregate classification (germline): Uncertain significance (1 of 4 stars; one submission).

Conditions:
Ataxia-telangiectasia syndrome (AT). Also called: Ataxia-telangiectasia, complementation group D; AT, COMPLEMENTATION GROUP C; ATAXIA-TELANGIECTASIA, COMPLEMENTATION GROUP A; ATAXIA-TELANGIECTASIA, FRESNO VARIANT; Ataxia-telangiectasia; Ataxia-telangiectasia, complementation group E. Identifiers: Orphanet 100, MedGen C0004135, MONDO:0008840, OMIM 208900.

Submission:

Labcorp Genetics (formerly Invitae), Labcorp
Classification: Uncertain significance for Ataxia-telangiectasia syndrome. Last evaluated: 2024-06-18. Review status: criteria provided, single submitter. Criteria: Invitae Variant Classification Sherloc (09022015). Collection method: clinical testing. Allele origin: germline.
Comment: This sequence change replaces cysteine, which is neutral and slightly polar, with serine, which is neutral and polar, at codon 2286 of the ATM protein (p.Cys2286Ser). This variant is not present in population databases (gnomAD no frequency). This variant has not been reported in the literature in individuals affected with ATM-related conditions. Algorithms developed to predict the effect of missense changes on protein structure and function output the following: SIFT: "Not Available"; PolyPhen-2: "Benign"; Align-GVGD: "Not Available". The serine amino acid residue is found in multiple mammalian species, which suggests that this missense change does not adversely affect protein function. In summary, the available evidence is currently insufficient to determine the role of this variant in disease. Therefore, it has been classified as a Variant of Uncertain Significance.